The following is an entry in ClinVar:

NM_001330683.2(TTC3):c.2880C>A (p.Phe960Leu)

Gene: TTC3 (tetratricopeptide repeat domain 3; plus strand). Cytogenetic location: 21q22.13.
Variant type: single nucleotide variant.
Coding change: c.2880C>A on transcript NM_001330683.2 (MANE Select); coding-DNA position 2880, C replaced by A.
Protein change: p.Phe960Leu; replaces phenylalanine 960 with leucine.
Molecular consequence: missense variant.
Genome position (GRCh38, 1-based): chr21:37,156,794, C>A. VCF-style: chr21-37156794-C-A. GRCh37 (hg19) VCF-style: chr21-38529096-C-A.
Other names: c.2880C>A, p.Phe960Leu (NM_001001894.3, NM_001320704.2, NM_003316.4); c.2946C>A, p.Phe982Leu (NM_001320703.2); c.1950C>A, p.Phe650Leu (NM_001330681.2, NM_001330682.2, NM_001353936.2); c.714C>A, p.Phe238Leu (NM_001353937.2, NM_001353938.2); short protein forms F238L, F982L, F960L, F650L.
Identifiers: ClinVar variation 2760483 (VCV002760483.3), dbSNP rs2517338583, ClinGen allele CA409935636.
Genomic context (GRCh38, chr21:37,156,794, plus strand): 5'-CTGGAATGAGAAATATGGTCACAAACTAGACTCTATAGAAGGAAAGCAACTTGATTATTT[C>A]TCTGAGCCAGCATCATTGAAGGAAGCCCGTTGTTTAATATGGCTGCTAGAAGAACACAGA-3'
Protein context (NP_001317612.1, residues 950-970): DSIEGKQLDY[Phe960Leu]SEPASLKEAR

ClinVar aggregate classification (germline): Uncertain significance (1 of 4 stars; one submission).

Allele frequency attached by ClinVar (database versions not stated): gnomAD exomes below 0.00001.
gnomAD v4.1: 1 of 1,614,092 alleles (0.000062%); highest among the groups gnomAD compares: Non-Finnish European, 0.000085%; no homozygotes.

Submission:

Labcorp Genetics (formerly Invitae), Labcorp
Classification: Uncertain significance. Last evaluated: 2023-09-13. Review status: criteria provided, single submitter. Criteria: Invitae Variant Classification Sherloc (09022015). Collection method: clinical testing. Allele origin: germline.
Comment: This sequence change replaces phenylalanine, which is neutral and non-polar, with leucine, which is neutral and non-polar, at codon 960 of the TTC3 protein (p.Phe960Leu). This variant is not present in population databases (gnomAD no frequency). This variant has not been reported in the literature in individuals affected with TTC3-related conditions. An algorithm developed to predict the effect of missense changes on protein structure and function (PolyPhen-2) suggests that this variant is likely to be disruptive. In summary, the available evidence is currently insufficient to determine the role of this variant in disease. Therefore, it has been classified as a Variant of Uncertain Significance.